The following is an entry in ClinVar:

ClinVar aggregate classification (germline): Uncertain significance (1 of 4 stars; one submission).

Submission:

GeneDx
Classification: Uncertain significance. Last evaluated: 2024-12-04. Review status: criteria provided, single submitter. Criteria: GeneDx Variant Classification Process June 2021. Collection method: clinical testing. Allele origin: germline. Affected: yes.
Comment: Not observed at significant frequency in large population cohorts (gnomAD); In silico analysis supports that this missense variant has a deleterious effect on protein structure/function; Has not been previously published as pathogenic or benign to our knowledge

NM_018026.4(PACS1):c.2560C>T (p.Arg854Cys)

Gene: PACS1 (phosphofurin acidic cluster sorting protein 1; plus strand). Cytogenetic location: 11q13.2.
Variant type: single nucleotide variant.
Coding change: c.2560C>T on transcript NM_018026.4 (MANE Select); coding-DNA position 2560, C replaced by T.
Protein change: p.Arg854Cys; replaces arginine 854 with cysteine.
Molecular consequence: missense variant.
Genome position (GRCh38, 1-based): chr11:66,241,557, C>T. VCF-style: chr11-66241557-C-T. GRCh37 (hg19) VCF-style: chr11-66009028-C-T.
Other names: short protein forms R854C.
Identifiers: ClinVar variation 3901772 (VCV003901772.1).